The following is an entry in ClinVar:

NM_020911.2(PLXNA4):c.953C>T (p.Ala318Val)

Gene: PLXNA4 (plexin A4; minus strand). Cytogenetic location: 7q32.3.
Variant type: single nucleotide variant.
Coding change: c.953C>T on transcript NM_020911.2 (MANE Select); coding-DNA position 953, C replaced by T.
Protein change: p.Ala318Val; replaces alanine 318 with valine.
Molecular consequence: missense variant.
Genome position (GRCh38, 1-based): chr7:132,507,741, G>A on the plus strand (C>T on the coding strand, the complement: PLXNA4 is on the minus strand). VCF-style: chr7-132507741-G-A. GRCh37 (hg19) VCF-style: chr7-132192500-G-A.
Other names: c.953C>T, p.Ala318Val (NM_001105543.2, NM_001393897.1, NM_181775.4); short protein forms A318V.
Identifiers: ClinVar variation 3046328 (VCV003046328.3), dbSNP rs199889502, ClinGen allele CA4490412.
Genomic context (GRCh38, chr7:132,507,741, plus strand): 5'-ACGGTGAAGAGCAGGTCATCATCTGGATGGACTCCAAGGGTCCTGCCAAGCACGGCCCCC[G>A]CTTTGGACAGGTAGGCAGCCTGCAGCAGGCGGTACTCCACCCCACTGCGCTCACAGCCAA-3'
Protein context (NP_065962.1, residues 308-328): RLLQAAYLSK[Ala318Val]GAVLGRTLGV

ClinVar aggregate classification (germline): Uncertain significance. Review status: criteria provided, single submitter (1 of 4 stars). 2 submissions from 2 submitters: Uncertain significance (1). 1 of the submissions does not count toward it. Last evaluated 2025-08-10.

Conditions:
PLXNA4-related disorder. Also called: PLXNA4-related condition.

Allele frequency attached by ClinVar (database versions not stated): ESP Exome Variant Server 0.00008; TOPMed 0.00010; ExAC 0.00011; gnomAD 0.00011; gnomAD exomes 0.00011; 1000 Genomes Project 30x 0.00031; 1000 Genomes Project 0.00040.
gnomAD v4.1: 191 of 1,614,110 alleles (0.012%); highest among the groups gnomAD compares: Admixed American, 0.012%; no homozygotes.

Submissions (2):

Ambry Genetics
Classification: Uncertain significance. Last evaluated: 2025-08-10. Review status: criteria provided, single submitter. Criteria: Ambry Variant Classification Scheme 2023. Collection method: clinical testing. Allele origin: germline.

PreventionGenetics, part of Exact Sciences
Classification: Likely benign for PLXNA4-related condition. Last evaluated: 2022-05-16. Review status: no assertion criteria provided. Collection method: clinical testing. Allele origin: germline. Not counted in ClinVar's aggregate classification.
Comment: This variant is classified as likely benign based on ACMG/AMP sequence variant interpretation guidelines (Richards et al. 2015 PMID: 25741868, with internal and published modifications).